The following is an entry in ClinVar:

NM_030962.4(SBF2):c.3741A>C (p.Lys1247Asn)

Gene: SBF2 (SET binding factor 2; minus strand). Cytogenetic location: 11p15.4.
Variant type: single nucleotide variant.
Coding change: c.3741A>C on transcript NM_030962.4 (MANE Select); coding-DNA position 3741, A replaced by C.
Protein change: p.Lys1247Asn; replaces lysine 1247 with asparagine.
Molecular consequence: missense variant.
Genome position (GRCh38, 1-based): chr11:9,829,408, T>G on the plus strand (A>C on the coding strand, the complement: SBF2 is on the minus strand). VCF-style: chr11-9829408-T-G. GRCh37 (hg19) VCF-style: chr11-9850955-T-G.
Other names: p.Lys1247Asn; c.3741A>C, p.Lys1247Asn (NM_001386339.1); c.3612A>C, p.Lys1204Asn (NM_001386342.1); c.3777A>C, p.Lys1259Asn (NM_001424318.1, NM_001425070.1); short protein forms K1204N, K1247N, K1259N.
Identifiers: ClinVar variation 2683137 (VCV002683137.1), dbSNP rs1855252886, ClinGen allele CA379645253.

ClinVar aggregate classification (germline): Uncertain significance (1 of 4 stars; one submission).

Submission:

Mayo Clinic Laboratories, Mayo Clinic
Classification: Uncertain significance. Last evaluated: 2022-05-27. Review status: criteria provided, single submitter. Criteria: ACMG Guidelines, 2015. Collection method: clinical testing. Allele origin: germline. Observed: 1 variant allele.
Comment: PM2